The following is an entry in ClinVar:

NM_000154.2(GALK1):c.857G>A (p.Arg286Gln)

Gene: GALK1 (galactokinase 1; minus strand). Cytogenetic location: 17q25.1.
Variant type: single nucleotide variant.
Coding change: c.857G>A on transcript NM_000154.2 (MANE Select); coding-DNA position 857, G replaced by A.
Protein change: p.Arg286Gln; replaces arginine 286 with glutamine.
Molecular consequence: missense variant.
Genome position (GRCh38, 1-based): chr17:75,758,536, C>T on the plus strand (G>A on the coding strand, the complement: GALK1 is on the minus strand). VCF-style: chr17-75758536-C-T. GRCh37 (hg19) VCF-style: chr17-73754617-C-T.
Other names: short protein forms R286Q.
Identifiers: ClinVar variation 772771 (VCV000772771.14), dbSNP rs145641205, ClinGen allele CA8770807.
Genomic context (GRCh38, chr17:75,758,536, plus strand): 5'-AGGCGGCCAAAGGCTCTGTAGTCGCCACGTCTCAGGGCGGCCGCTGCCTGGGCCGTGCGC[C>T]GAATCTCCCCCACCACGTGCCGGGCCCGCCGGAAGCCCTCTTTGCTCACCAGGTCCCTGG-3'
Protein context (NP_000145.1, residues 276-296): RRARHVVGEI[Arg286Gln]RTAQAAAALR

ClinVar aggregate classification (germline): Benign. Review status: criteria provided, single submitter (1 of 4 stars). 3 submissions from 3 submitters: Benign (1). 2 of the submissions do not count toward it. Last evaluated 2026-01-28.

Conditions:
GALK1-related disorder. Also called: GALK1-related condition.
Deficiency of galactokinase. Also called: GALACTOSEMIA II; Galactokinase deficiency with cataracts. Identifiers: Orphanet 352, Orphanet 79237, MedGen C0268155, MONDO:0009255, OMIM 230200.

Allele frequency attached by ClinVar (database versions not stated): ExAC 0.00098; ESP Exome Variant Server 0.00163; gnomAD 0.00175 and 0.00200; 1000 Genomes Project 0.00180; TOPMed 0.00205; 1000 Genomes Project 30x 0.00234.

Submissions (3):

Labcorp Genetics (formerly Invitae), Labcorp
Classification: Benign for Deficiency of galactokinase. Last evaluated: 2026-01-28. Review status: criteria provided, single submitter. Criteria: Invitae Variant Classification Sherloc (09022015). Collection method: clinical testing. Allele origin: germline.

PreventionGenetics, part of Exact Sciences
Classification: Likely benign for GALK1-related condition. Last evaluated: 2023-08-22. Review status: no assertion criteria provided. Collection method: clinical testing. Allele origin: germline. Not counted in ClinVar's aggregate classification.
Comment: This variant is classified as likely benign based on ACMG/AMP sequence variant interpretation guidelines (Richards et al. 2015 PMID: 25741868, with internal and published modifications).

Natera, Inc.
Classification: Likely benign for Deficiency of galactokinase. Last evaluated: 2020-06-18. Review status: no assertion criteria provided. Collection method: clinical testing. Allele origin: germline. Not counted in ClinVar's aggregate classification.